The following is an entry in ClinVar:

NM_006514.4(SCN10A):c.364A>G (p.Thr122Ala)

Gene: SCN10A (sodium voltage-gated channel alpha subunit 10; minus strand). Cytogenetic location: 3p22.2.
Variant type: single nucleotide variant.
Coding change: c.364A>G on transcript NM_006514.4 (MANE Select); coding-DNA position 364, A replaced by G.
Protein change: p.Thr122Ala; replaces threonine 122 with alanine.
Molecular consequence: missense variant.
Genome position (GRCh38, 1-based): chr3:38,792,075, T>C on the plus strand (A>G on the coding strand, the complement: SCN10A is on the minus strand). VCF-style: chr3-38792075-T-C. GRCh37 (hg19) VCF-style: chr3-38833566-T-C.
Other names: c.364A>G, p.Thr122Ala (NM_001293306.2, NM_001293307.2); short protein forms T122A.
Identifiers: ClinVar variation 3623998 (VCV003623998.2).

ClinVar aggregate classification (germline): Uncertain significance (1 of 4 stars; one submission).

Conditions:
Brugada syndrome. Also called: Sudden unexpected nocturnal death syndrome; Sudden unexplained nocturnal death syndrome; Sudden Unexplained Nocturnal Death Syndrome (SUNDS); Sudden Unexplained Death Syndrome. Identifiers: Orphanet 130, MedGen C1142166, MONDO:0015263.

gnomAD v4.1: 1 of 1,613,626 alleles (0.000062%); highest among the groups gnomAD compares: Non-Finnish European, 0.000085%; no homozygotes.

Submission:

Labcorp Genetics (formerly Invitae), Labcorp
Classification: Uncertain significance for Brugada syndrome. Last evaluated: 2024-12-12. Review status: criteria provided, single submitter. Criteria: Invitae Variant Classification Sherloc (09022015). Collection method: clinical testing. Allele origin: germline.
Comment: This sequence change replaces threonine, which is neutral and polar, with alanine, which is neutral and non-polar, at codon 122 of the SCN10A protein (p.Thr122Ala). This variant is not present in population databases (gnomAD no frequency). This variant has not been reported in the literature in individuals affected with SCN10A-related conditions. Invitae Evidence Modeling of protein sequence and biophysical properties (such as structural, functional, and spatial information, amino acid conservation, physicochemical variation, residue mobility, and thermodynamic stability) indicates that this missense variant is not expected to disrupt SCN10A protein function with a negative predictive value of 95%. In summary, the available evidence is currently insufficient to determine the role of this variant in disease. Therefore, it has been classified as a Variant of Uncertain Significance.